The following is an entry in ClinVar:

NM_014339.7(IL17RA):c.*5659G>A

Gene: IL17RA (interleukin 17 receptor A; plus strand). Cytogenetic location: 22q11.1.
Variant type: single nucleotide variant.
Coding change: c.*5659G>A on transcript NM_014339.7 (MANE Select); 5659 bases downstream of the stop codon, G replaced by A.
Molecular consequence: 3 prime UTR variant.
Genome position (GRCh38, 1-based): chr22:17,115,479, G>A. VCF-style: chr22-17115479-G-A. GRCh37 (hg19) VCF-style: chr22-17596369-G-A.
Other names: c.*5659G>A (NM_001289905.2).
Identifiers: ClinVar variation 340734 (VCV000340734.6), dbSNP rs7289055, ClinGen allele CA10653840.

ClinVar aggregate classification (germline): Benign. Review status: criteria provided, multiple submitters, no conflicts (2 of 4 stars). 2 submissions from 2 submitters: Benign (2). Last evaluated 2018-01-12.

Conditions:
Immunodeficiency 51 (IMD51). Also called: CANDIDIASIS, FAMILIAL, 5. Identifiers: Orphanet 1334, MedGen C4310803, MONDO:0013500, OMIM 613953.

Allele frequency attached by ClinVar (database versions not stated): gnomAD 0.01147 and 0.01258; TOPMed 0.01484; 1000 Genomes Project 30x 0.03232; 1000 Genomes Project 0.03335.

Submissions (2):

Illumina Laboratory Services, Illumina
Classification: Benign for Immunodeficiency 51. Last evaluated: 2018-01-12. Review status: criteria provided, single submitter. Criteria: ICSL Variant Classification Criteria 13 December 2019. Collection method: clinical testing. Allele origin: germline.
Comment: This variant was observed in the ICSL laboratory as part of a predisposition screen in an ostensibly healthy population. It had not been previously curated by ICSL or reported in the Human Gene Mutation Database (HGMD: prior to June 1st, 2018), and was therefore a candidate for classification through an automated scoring system. Utilizing variant allele frequency, disease prevalence and penetrance estimates, and inheritance mode, an automated score was calculated to assess if this variant is too frequent to cause the disease. Based on the score and internal cut-off values, a variant classified as benign is not then subjected to further curation. The score for this variant resulted in a classification of benign for this disease.

Breakthrough Genomics
Classification: Benign. Review status: criteria provided, single submitter. Criteria: ACMG Guidelines, 2015. Collection method: not provided. Allele origin: germline. Inheritance: Autosomal recessive inheritance. Affected: yes.